The following is an entry in ClinVar:

NM_007194.4(CHEK2):c.1240G>T (p.Gly414Ter)

Gene: CHEK2 (checkpoint kinase 2; minus strand). Cytogenetic location: 22q12.1.
Variant type: single nucleotide variant.
Coding change: c.1240G>T on transcript NM_007194.4 (MANE Select); coding-DNA position 1240, G replaced by T.
Protein change: p.Gly414Ter; replaces glycine 414 with a stop codon.
Molecular consequence: nonsense.
Genome position (GRCh38, 1-based): chr22:28,695,729, C>A on the plus strand (G>T on the coding strand, the complement: CHEK2 is on the minus strand). VCF-style: chr22-28695729-C-A. GRCh37 (hg19) VCF-style: chr22-29091717-C-A.
Other names: c.1039G>T, p.Gly347Ter (NM_001349956.3); c.1153G>T, p.Gly385Ter (NM_145862.3); c.1369G>T, p.Gly457Ter (NM_001005735.3); c.577G>T, p.Gly193Ter (NM_001257387.3); short protein forms G414*, G347*, G385*, G457*, G193*.
Identifiers: ClinVar variation 460790 (VCV000460790.10), dbSNP rs878854913, ClinGen allele CA411096597.

ClinVar aggregate classification (germline): Pathogenic. Review status: criteria provided, multiple submitters, no conflicts (2 of 4 stars). 3 submissions from 3 submitters: Pathogenic (3). Last evaluated 2026-03-20.

Conditions:
Hereditary cancer-predisposing syndrome. Also called: Hereditary Cancer Syndrome; Tumor predisposition; Hereditary neoplastic syndrome; Neoplastic Syndromes, Hereditary. Identifiers: Orphanet 140162, MedGen C0027672, MeSH D009386, MONDO:0015356.
Familial cancer of breast. Also called: Hereditary breast cancer; BREAST CANCER, FAMILIAL; hereditary breast carcinoma. Identifiers: Orphanet 227535, MedGen C0346153, MONDO:0016419, OMIM 114480. Disease mechanism: loss of function.

Submissions (3):

Ambry Genetics
Classification: Pathogenic for Hereditary cancer-predisposing syndrome. Last evaluated: 2026-03-20. Review status: criteria provided, single submitter. Criteria: Ambry Variant Classification Scheme 2023. Collection method: clinical testing. Allele origin: germline.
Comment: The p.G414* pathogenic mutation (also known as c.1240G>T), located in coding exon 10 of the CHEK2 gene, results from a G to T substitution at nucleotide position 1240. This changes the amino acid from a glycine to a stop codon within coding exon 10. This variant is considered to be rare based on population cohorts in the Genome Aggregation Database (gnomAD). This variant is expected to result in loss of function by premature protein truncation or nonsense-mediated mRNA decay. As such, this variant is interpreted as a disease-causing mutation.

Labcorp Genetics (formerly Invitae), Labcorp
Classification: Pathogenic for Familial cancer of breast. Last evaluated: 2025-08-30. Review status: criteria provided, single submitter. Criteria: Invitae Variant Classification Sherloc (09022015). Collection method: clinical testing. Allele origin: germline.
Comment: This sequence change creates a premature translational stop signal (p.Gly414*) in the CHEK2 gene. It is expected to result in an absent or disrupted protein product. Loss-of-function variants in CHEK2 are known to be pathogenic (PMID: 21876083, 24713400). This variant is not present in population databases (gnomAD no frequency). This variant has not been reported in the literature in individuals affected with CHEK2-related conditions. ClinVar contains an entry for this variant (Variation ID: 460790). For these reasons, this variant has been classified as Pathogenic.

Myriad Genetics, Inc.
Classification: Pathogenic for Familial cancer of breast. Last evaluated: 2023-06-28. Review status: criteria provided, single submitter. Criteria: Myriad Autosomal Dominant, Autosomal Recessive and X-Linked Classification Criteria (2023). Collection method: clinical testing. Allele origin: unknown.
Comment: This variant is considered pathogenic. This variant creates a termination codon and is predicted to result in premature protein truncation.

Literature cited by the submitters: PubMed 21876083 (cited by Labcorp Genetics (formerly Invitae), Labcorp); PubMed 24713400 (cited by Labcorp Genetics (formerly Invitae), Labcorp).